The following is an entry in ClinVar:

NM_001843.4(CNTN1):c.1876C>T (p.Arg626Cys)

Gene: CNTN1 (contactin 1; plus strand). Cytogenetic location: 12q12.
Variant type: single nucleotide variant.
Coding change: c.1876C>T on transcript NM_001843.4 (MANE Select); coding-DNA position 1876, C replaced by T.
Protein change: p.Arg626Cys; replaces arginine 626 with cysteine.
Molecular consequence: missense variant.
Genome position (GRCh38, 1-based): chr12:40,980,980, C>T. VCF-style: chr12-40980980-C-T. GRCh37 (hg19) VCF-style: chr12-41374782-C-T.
Other names: c.1876C>T (NM_001843.2); c.1843C>T, p.Arg615Cys (NM_175038.2); short protein forms R615C, R626C.
Identifiers: ClinVar variation 1030483 (VCV001030483.8), dbSNP rs563858684, ClinGen allele CA6517000.

ClinVar aggregate classification (germline): Uncertain significance. Review status: criteria provided, multiple submitters, no conflicts (2 of 4 stars). 3 submissions from 3 submitters: Uncertain significance (3). Last evaluated 2023-05-04.

Conditions:
Inborn genetic diseases. Identifiers: MedGen C0950123, MeSH D030342.
Compton-North congenital myopathy (CMYO12). Identifiers: Orphanet 210163, MedGen C2675527, MONDO:0012929, OMIM 612540.

Allele frequency attached by ClinVar (database versions not stated): gnomAD 0.00001 and 0.00002; ExAC 0.00002; gnomAD exomes 0.00002; TOPMed 0.00002; 1000 Genomes Project 30x 0.00016; 1000 Genomes Project 0.00020.
gnomAD v4.1: 31 of 1,613,810 alleles (0.0019%); highest among the groups gnomAD compares: East Asian, 0.036%; no homozygotes.

Submissions (3):

Ambry Genetics
Classification: Uncertain significance for Inborn genetic diseases. Last evaluated: 2023-05-04. Review status: criteria provided, single submitter. Criteria: Ambry Variant Classification Scheme 2023. Collection method: clinical testing. Allele origin: germline.

Labcorp Genetics (formerly Invitae), Labcorp
Classification: Uncertain significance for Compton-North congenital myopathy. Last evaluated: 2022-04-07. Review status: criteria provided, single submitter. Criteria: Invitae Variant Classification Sherloc (09022015). Collection method: clinical testing. Allele origin: germline.
Comment: Advanced modeling of protein sequence and biophysical properties (such as structural, functional, and spatial information, amino acid conservation, physicochemical variation, residue mobility, and thermodynamic stability) performed at Invitae indicates that this missense variant is not expected to disrupt CNTN1 protein function. In summary, the available evidence is currently insufficient to determine the role of this variant in disease. Therefore, it has been classified as a Variant of Uncertain Significance. This variant is present in population databases (rs563858684, gnomAD 0.03%). This sequence change replaces arginine, which is basic and polar, with cysteine, which is neutral and slightly polar, at codon 626 of the CNTN1 protein (p.Arg626Cys). This variant has not been reported in the literature in individuals affected with CNTN1-related conditions. ClinVar contains an entry for this variant (Variation ID: 1030483).

Baylor Genetics
Classification: Uncertain significance for Compton-North congenital myopathy. Last evaluated: 2020-09-02. Review status: criteria provided, single submitter. Criteria: ACMG Guidelines, 2015. Collection method: clinical testing. Allele origin: unknown. Affected: yes.
Comment: This variant was determined to be of uncertain significance according to ACMG Guidelines, 2015 [PMID:25741868].